The following is an entry in ClinVar:

ClinVar aggregate classification (germline): Likely benign. Review status: criteria provided, multiple submitters, no conflicts (2 of 4 stars). 2 submissions from 2 submitters: Likely benign (2). Last evaluated 2016-03-28.

Allele frequency attached by ClinVar (database versions not stated): 1000 Genomes Project 30x 0.01452; 1000 Genomes Project 0.01498; ESP Exome Variant Server 0.02756; gnomAD 0.03214.
gnomAD v4.1: 47,268 of 1,612,868 alleles (2.9%); highest among the groups gnomAD compares: Non-Finnish European, 3.2%; 287 homozygotes.

Submissions (2):

Laboratory for Molecular Medicine, Mass General Brigham Personalized Medicine
Classification: Likely benign. Last evaluated: 2016-03-28. Review status: criteria provided, single submitter. Criteria: LMM Criteria. Collection method: clinical testing. Allele origin: germline.
Comment: Variant identified in a genome or exome case(s) and assessed due to predicted null impact of the variant or pathogenic assertions in the literature or databases. Disclaimer: This variant has not undergone full assessment. The following are preliminary notes: Frequency

Breakthrough Genomics
Classification: Likely benign. Review status: criteria provided, single submitter. Criteria: ACMG Guidelines, 2015. Collection method: not provided. Allele origin: germline. Inheritance: Autosomal dominant inheritance. Affected: yes.

NM_002458.3(MUC5B):c.9010G>A (p.Ala3004Thr)

Genes: MUC5B (mucin 5B, oligomeric mucus/gel-forming; plus strand), MUC5B-AS1 (MUC5B antisense RNA 1; minus strand). Cytogenetic location: 11p15.5.
Variant type: single nucleotide variant.
Coding change: c.9010G>A on transcript NM_002458.3 (MANE Select); coding-DNA position 9010, G replaced by A.
Protein change: p.Ala3004Thr; replaces alanine 3004 with threonine.
Molecular consequence: missense variant.
Genome position (GRCh38, 1-based): chr11:1,245,890, G>A. VCF-style: chr11-1245890-G-A. GRCh37 (hg19) VCF-style: chr11-1267120-G-A.
Other names: short protein forms A3004T.
Identifiers: ClinVar variation 403185 (VCV000403185.5), dbSNP rs116870693, ClinGen allele CA5806803.